The following is an entry in ClinVar:

ClinVar aggregate classification (germline): Uncertain significance (1 of 4 stars; one submission).

Allele frequency attached by ClinVar (database versions not stated): gnomAD 0.00004 and 0.00005; TOPMed 0.00005; gnomAD exomes 0.00006 and 0.00007; ExAC 0.00007; ESP Exome Variant Server 0.00008; 1000 Genomes Project 30x 0.00016; 1000 Genomes Project 0.00020.
gnomAD v4.1: 101 of 1,613,696 alleles (0.0063%); highest among the groups gnomAD compares: East Asian, 0.049%; no homozygotes.

Submission:

Labcorp Genetics (formerly Invitae), Labcorp
Classification: Uncertain significance. Last evaluated: 2025-07-21. Review status: criteria provided, single submitter. Criteria: Invitae Variant Classification Sherloc (09022015). Collection method: clinical testing. Allele origin: germline.
Comment: This sequence change replaces arginine, which is basic and polar, with cysteine, which is neutral and slightly polar, at codon 105 of the DCHS1 protein (p.Arg105Cys). This variant is present in population databases (rs143832439, gnomAD 0.01%). This variant has not been reported in the literature in individuals affected with DCHS1-related conditions. ClinVar contains an entry for this variant (Variation ID: 1387246). Invitae Evidence Modeling of protein sequence and biophysical properties (such as structural, functional, and spatial information, amino acid conservation, physicochemical variation, residue mobility, and thermodynamic stability) has been performed for this missense variant. However, the output from this modeling did not meet the statistical confidence thresholds required to predict the impact of this variant on DCHS1 protein function. In summary, the available evidence is currently insufficient to determine the role of this variant in disease. Therefore, it has been classified as a Variant of Uncertain Significance.

NM_003737.4(DCHS1):c.313C>T (p.Arg105Cys)

Gene: DCHS1 (dachsous cadherin-related 1; minus strand). Cytogenetic location: 11p15.4.
Variant type: single nucleotide variant.
Coding change: c.313C>T on transcript NM_003737.4 (MANE Select); coding-DNA position 313, C replaced by T.
Protein change: p.Arg105Cys; replaces arginine 105 with cysteine.
Molecular consequence: missense variant.
Genome position (GRCh38, 1-based): chr11:6,641,301, G>A on the plus strand (C>T on the coding strand, the complement: DCHS1 is on the minus strand). VCF-style: chr11-6641301-G-A. GRCh37 (hg19) VCF-style: chr11-6662532-G-A.
Other names: short protein forms R105C.
Identifiers: ClinVar variation 1387246 (VCV001387246.6), dbSNP rs143832439, ClinGen allele CA5861174.